The following is an entry in ClinVar:

NM_001330691.3(CEP78):c.1465C>T (p.His489Tyr)

Gene: CEP78 (centrosomal protein 78; plus strand). Cytogenetic location: 9q21.2.
Variant type: single nucleotide variant.
Coding change: c.1465C>T on transcript NM_001330691.3 (MANE Select); coding-DNA position 1465, C replaced by T.
Protein change: p.His489Tyr; replaces histidine 489 with tyrosine.
Molecular consequence: missense variant.
Genome position (GRCh38, 1-based): chr9:78,264,156, C>T. VCF-style: chr9-78264156-C-T. GRCh37 (hg19) VCF-style: chr9-80879072-C-T.
Other names: c.1468C>T, p.His490Tyr (NM_001098802.3, NM_001349839.2, NM_001349840.2 and 1 more transcripts); c.1465C>T, p.His489Tyr (NM_001330693.3, NM_001330694.2, NM_001349838.2); short protein forms H489Y, H490Y.
Identifiers: ClinVar variation 852774 (VCV000852774.11), dbSNP rs1827402668, ClinGen allele CA373863838.

ClinVar aggregate classification (germline): Uncertain significance (1 of 4 stars; one submission).

Allele frequency attached by ClinVar (database versions not stated): gnomAD exomes below 0.00001.
gnomAD v4.1: 1 of 1,451,084 alleles (0.000069%); highest among the groups gnomAD compares: Non-Finnish European, 0.000091%; no homozygotes.

Submission:

Labcorp Genetics (formerly Invitae), Labcorp
Classification: Uncertain significance. Last evaluated: 2022-02-24. Review status: criteria provided, single submitter. Criteria: Invitae Variant Classification Sherloc (09022015). Collection method: clinical testing. Allele origin: germline.
Comment: In summary, the available evidence is currently insufficient to determine the role of this variant in disease. Therefore, it has been classified as a Variant of Uncertain Significance. Algorithms developed to predict the effect of missense changes on protein structure and function output the following: SIFT: "Tolerated"; PolyPhen-2: "Benign"; Align-GVGD: "Class C0". The tyrosine amino acid residue is found in multiple mammalian species, which suggests that this missense change does not adversely affect protein function. ClinVar contains an entry for this variant (Variation ID: 852774). This variant has not been reported in the literature in individuals affected with CEP78-related conditions. This variant is not present in population databases (gnomAD no frequency). This sequence change replaces histidine, which is basic and polar, with tyrosine, which is neutral and polar, at codon 490 of the CEP78 protein (p.His490Tyr).